The following is an entry in ClinVar:

NM_001845.6(COL4A1):c.1453C>T (p.Pro485Ser)

Gene: COL4A1 (collagen type IV alpha 1 chain; minus strand). Cytogenetic location: 13q34.
Variant type: single nucleotide variant.
Coding change: c.1453C>T on transcript NM_001845.6 (MANE Select); coding-DNA position 1453, C replaced by T.
Protein change: p.Pro485Ser; replaces proline 485 with serine.
Molecular consequence: missense variant.
Genome position (GRCh38, 1-based): chr13:110,192,842, G>A on the plus strand (C>T on the coding strand, the complement: COL4A1 is on the minus strand). VCF-style: chr13-110192842-G-A. GRCh37 (hg19) VCF-style: chr13-110845189-G-A.
Other names: c.1453C>T, p.Pro485Ser (NM_001303110.2); short protein forms P485S.
Identifiers: ClinVar variation 1396540 (VCV001396540.6), dbSNP rs747214508, ClinGen allele CA388723494.

ClinVar aggregate classification (germline): Uncertain significance (1 of 4 stars; one submission).

gnomAD v4.1: 3 of 1,614,006 alleles (0.00019%); highest among the groups gnomAD compares: South Asian, 0.0022%; no homozygotes.

Submission:

Labcorp Genetics (formerly Invitae), Labcorp
Classification: Uncertain significance. Last evaluated: 2022-01-15. Review status: criteria provided, single submitter. Criteria: Invitae Variant Classification Sherloc (09022015). Collection method: clinical testing. Allele origin: germline.
Comment: In summary, the available evidence is currently insufficient to determine the role of this variant in disease. Therefore, it has been classified as a Variant of Uncertain Significance. Advanced modeling of protein sequence and biophysical properties (such as structural, functional, and spatial information, amino acid conservation, physicochemical variation, residue mobility, and thermodynamic stability) performed at Invitae indicates that this missense variant is not expected to disrupt COL4A1 protein function. This variant has not been reported in the literature in individuals affected with COL4A1-related conditions. This variant is not present in population databases (gnomAD no frequency). This sequence change replaces proline, which is neutral and non-polar, with serine, which is neutral and polar, at codon 485 of the COL4A1 protein (p.Pro485Ser).